The following is an entry in ClinVar:

NM_000448.3(RAG1):c.335G>A (p.Arg112His)

Gene: RAG1 (recombination activating 1; plus strand). Cytogenetic location: 11p12.
Variant type: single nucleotide variant.
Coding change: c.335G>A on transcript NM_000448.3 (MANE Select); coding-DNA position 335, G replaced by A.
Protein change: p.Arg112His; replaces arginine 112 with histidine.
Molecular consequence: missense variant.
Genome position (GRCh38, 1-based): chr11:36,573,639, G>A. VCF-style: chr11-36573639-G-A. GRCh37 (hg19) VCF-style: chr11-36595189-G-A.
Other names: c.335G>A, p.Arg112His (NM_001377277.1, NM_001377278.1, NM_001377279.1 and 1 more transcripts); short protein forms R112H.
Identifiers: ClinVar variation 427093 (VCV000427093.12), dbSNP rs749223640, ClinGen allele CA5949966.

ClinVar aggregate classification (germline): Conflicting classifications of pathogenicity. Review status: criteria provided, conflicting classifications (1 of 4 stars). 6 submissions from 6 submitters: Pathogenic (1); Likely pathogenic (2); Uncertain significance (3). Last evaluated 2024-12-12.

Conditions:
Pelizaeus-Merzbacher disease. Also called: LEUKODYSTROPHY, HYPOMYELINATING, 1; Pelizaeus-Merzbacher spectrum disorder; Pelizaeus-Merzbacher Disease (PMD); Sudanophilic leukodystrophy; Pelizeaus-Merzbacher spectrum disorder. Identifiers: Orphanet 702, MedGen C0205711, MONDO:0010714, OMIM 312080, HP:0003269.
Severe combined immunodeficiency, autosomal recessive, T cell-negative, B cell-negative, NK cell-positive. Also called: SCID, AR, T-cell negative, B-cell negative, NK cell-positive; SCID, T CELL-NEGATIVE, B CELL-NEGATIVE, NK CELL-POSITIVE; Severe combined immunodeficiency due to complete RAG1/2 deficiency. Identifiers: Orphanet 331206, MedGen C1832322, MONDO:0011086, OMIM 601457.
Combined immunodeficiency due to partial RAG1 deficiency. Identifiers: Orphanet 231154, MedGen C1835931, MONDO:0012359, OMIM 609889.
Histiocytic medullary reticulosis. Also called: SEVERE COMBINED IMMUNODEFICIENCY WITH HYPEREOSINOPHILIA; Omenn syndrome. Identifiers: Orphanet 39041, MedGen C2700553, MONDO:0011338, OMIM 603554.
Combined immunodeficiency with skin granulomas. Identifiers: Orphanet 157949, MedGen C2673536, MONDO:0009306, OMIM 233650.

Allele frequency attached by ClinVar (database versions not stated): ExAC 0.00002; gnomAD exomes 0.00003; TOPMed 0.00004.

Submissions (6):

Johns Hopkins Genomics, Johns Hopkins University
Classification: Likely pathogenic for Pelizaeus-Merzbacher disease. Last evaluated: 2024-12-12. Review status: criteria provided, single submitter. Criteria: ACMG Guidelines, 2015. Collection method: clinical testing. Allele origin: germline.
Comment: This RAG1 variant (rs749223640) is rare (<0.1%) in a large population dataset (gnomADv4.1.0: 26/1614018 total alleles; 0.002%; no homozygotes) and has been reported in ClinVar. This variant has been reported in an individual with a RAG1-related immune disorder. Two bioinformatic tools queried predict that this substitution would be damaging, and the arginine residue at this position is strongly conserved across all vertebrate species assessed5. V(D)J recombination activity of RAG1 protein containing p.Arg112His was reduced greater than 50% in a heterologous cell-based assay. Bioinformatic analysis predicts that this variant would not affect normal exon 2 splicing, although this has not been confirmed experimentally to our knowledge. We consider c.335G>A to be likely pathogenic for autosomal recessive RAG1-related immune disorder.

Baylor Genetics
Classification: Pathogenic for Combined immunodeficiency due to partial RAG1 deficiency. Last evaluated: 2024-02-29. Review status: criteria provided, single submitter. Criteria: ACMG Guidelines, 2015. Collection method: clinical testing. Allele origin: unknown.

Fulgent Genetics
Classification: Likely pathogenic for Combined immunodeficiency with skin granulomas; Severe combined immunodeficiency, autosomal recessive, T cell-negative, B cell-negative, NK cell-positive; Histiocytic medullary reticulosis; Combined immunodeficiency due to partial RAG1 deficiency. Last evaluated: 2024-01-18. Review status: criteria provided, single submitter. Criteria: ACMG Guidelines, 2015. Collection method: clinical testing. Allele origin: germline.

Labcorp Genetics (formerly Invitae), Labcorp
Classification: Uncertain significance for Combined immunodeficiency with skin granulomas; Severe combined immunodeficiency, autosomal recessive, T cell-negative, B cell-negative, NK cell-positive. Last evaluated: 2022-07-19. Review status: criteria provided, single submitter. Criteria: Invitae Variant Classification Sherloc (09022015). Collection method: clinical testing. Allele origin: germline.
Comment: This sequence change replaces arginine, which is basic and polar, with histidine, which is basic and polar, at codon 112 of the RAG1 protein (p.Arg112His). This variant is present in population databases (rs749223640, gnomAD 0.009%). This variant has not been reported in the literature in individuals affected with RAG1-related conditions. ClinVar contains an entry for this variant (Variation ID: 427093). Advanced modeling of protein sequence and biophysical properties (such as structural, functional, and spatial information, amino acid conservation, physicochemical variation, residue mobility, and thermodynamic stability) performed at Invitae indicates that this missense variant is expected to disrupt RAG1 protein function. In summary, the available evidence is currently insufficient to determine the role of this variant in disease. Therefore, it has been classified as a Variant of Uncertain Significance.

GeneDx
Classification: Uncertain significance. Last evaluated: 2022-06-21. Review status: criteria provided, single submitter. Criteria: GeneDx Variant Classification Process June 2021. Collection method: clinical testing. Allele origin: germline. Affected: yes.
Comment: In silico analysis supports that this missense variant does not alter protein structure/function; Observed in a patient with autoimmune neutropenia with a pathogenic variant in published literature, but it is not known whether the variants occurred on the same (in cis) or on different (in trans) chromosomes (Farmer et al., 2019); This variant is associated with the following publications: (PMID: 27825771, 30809743, 26884280, Baroudi-2019[Abstract], 30877075)

Blueprint Genetics
Classification: Uncertain significance. Last evaluated: 2018-08-03. Review status: criteria provided, single submitter. Criteria: ACMG Guidelines, 2015. Collection method: clinical testing. Allele origin: germline.

Literature cited by the submitters: PubMed 30877075 (cited by Johns Hopkins Genomics, Johns Hopkins University); PubMed 36279417 (cited by Johns Hopkins Genomics, Johns Hopkins University).